The following is an entry in ClinVar:

7q31.1-q31.3, 16 Mb deletion

Gene: FOXP2 (forkhead box P2; plus strand). Cytogenetic location: 7q31.1.
Variant type: Deletion.
Identifiers: ClinVar variation 242962 (VCV000242962.2).

ClinVar aggregate classification (germline): Pathogenic (0 of 4 stars; one submission).

Conditions:
Childhood apraxia of speech (SPCH1). Also called: Speech language disorder; DEVELOPMENTAL VERBAL DYSPRAXIA; SPEECH AND LANGUAGE DISORDER WITH OROFACIAL DYSPRAXIA; FOXP2-Related Speech and Language Disorder. Identifiers: Orphanet 209908, MedGen C0750927, MONDO:0011184, OMIM 602081.

Submission:

GeneReviews
Classification: Pathogenic for Childhood apraxia of speech. Last evaluated: 2016-03-02. Review status: no assertion criteria provided. Collection method: literature only. Allele origin: germline. Affected: yes. Observed: 1 variant allele.
Comment: Speech: Verbal dyspraxia Oromotor: Oromotor dyspraxia Language: Severely impaired expressive & receptive Cognition: Below average

Literature cited by the submitters: PubMed 16470794.